The following is an entry in ClinVar:

ClinVar aggregate classification (germline): Uncertain significance (1 of 4 stars; one submission).

gnomAD v4.1: 2 of 1,613,182 alleles (0.00012%); highest among the groups gnomAD compares: Non-Finnish European, 0.00017%; no homozygotes.

Submission:

Labcorp Genetics (formerly Invitae), Labcorp
Classification: Uncertain significance. Last evaluated: 2022-05-10. Review status: criteria provided, single submitter. Criteria: Invitae Variant Classification Sherloc (09022015). Collection method: clinical testing. Allele origin: germline.
Comment: Algorithms developed to predict the effect of missense changes on protein structure and function are either unavailable or do not agree on the potential impact of this missense change (SIFT: "Deleterious"; PolyPhen-2: "Benign"; Align-GVGD: "Class C0"). This sequence change replaces glycine, which is neutral and non-polar, with aspartic acid, which is acidic and polar, at codon 6049 of the ADGRV1 protein (p.Gly6049Asp). This variant is not present in population databases (gnomAD no frequency). This variant has not been reported in the literature in individuals affected with ADGRV1-related conditions. In summary, the available evidence is currently insufficient to determine the role of this variant in disease. Therefore, it has been classified as a Variant of Uncertain Significance.

NM_032119.4(ADGRV1):c.18146G>A (p.Gly6049Asp)

Gene: ADGRV1 (adhesion G protein-coupled receptor V1; plus strand). Cytogenetic location: 5q14.3.
Variant type: single nucleotide variant.
Coding change: c.18146G>A on transcript NM_032119.4 (MANE Select); coding-DNA position 18146, G replaced by A.
Protein change: p.Gly6049Asp; replaces glycine 6049 with aspartic acid.
Molecular consequence: missense variant. On other transcripts: non-coding transcript variant (1).
Genome position (GRCh38, 1-based): chr5:90,985,516, G>A. VCF-style: chr5-90985516-G-A. GRCh37 (hg19) VCF-style: chr5-90281333-G-A.
Other names: short protein forms G6049D.
Identifiers: ClinVar variation 2068841 (VCV002068841.4), dbSNP rs756325409, ClinGen allele CA360429402.
Genomic context (GRCh38, chr5:90,985,516, plus strand): 5'-TAGTTATTTTGAAAGGAATCTATCATCAGAGCATGTCACAGATCTATGGACTCATTCATG[G>A]TGACCTGTAAGTACACCCAGGCAACACATTGCCCTAGCTTTCATGTACCTAAGCAGATTT-3'
Protein context (NP_115495.3, residues 6039-6059): SMSQIYGLIH[Gly6049Asp]DLCFIPNVYA